The following is an entry in ClinVar:

NM_001012759.3(CTU2):c.1353-4G>A

Gene: CTU2 (cytosolic thiouridylase subunit 2; plus strand). Cytogenetic location: 16q24.3.
Variant type: single nucleotide variant.
Coding change: c.1353-4G>A on transcript NM_001012759.3 (MANE Select); 4 bases into the intron before coding-DNA position 1353, G replaced by A.
Molecular consequence: intron variant.
Genome position (GRCh38, 1-based): chr16:88,714,856, G>A. VCF-style: chr16-88714856-G-A. GRCh37 (hg19) VCF-style: chr16-88781264-G-A.
Other names: c.1566-4G>A (NM_001318507.2); c.1353-4G>A (NM_001012762.3); c.1092-4G>A (NM_001318513.2).
Identifiers: ClinVar variation 3045905 (VCV003045905.2), dbSNP rs372591571, ClinGen allele CA8231072.

ClinVar aggregate classification (germline): Likely benign (0 of 4 stars; one submission).

Conditions:
CTU2-related disorder. Also called: CTU2-related condition.

Allele frequency attached by ClinVar (database versions not stated): ExAC 0.00006; ESP Exome Variant Server 0.00008.
gnomAD v4.1: 54 of 1,612,440 alleles (0.0033%); highest among the groups gnomAD compares: South Asian, 0.011%; no homozygotes.

Submission:

PreventionGenetics, part of Exact Sciences
Classification: Likely benign for CTU2-related condition. Last evaluated: 2021-02-27. Review status: no assertion criteria provided. Collection method: clinical testing. Allele origin: germline.
Comment: This variant is classified as likely benign based on ACMG/AMP sequence variant interpretation guidelines (Richards et al. 2015 PMID: 25741868, with internal and published modifications).